The following is an entry in ClinVar:

ClinVar aggregate classification (germline): Uncertain significance (1 of 4 stars; one submission).

Conditions:
Inborn genetic diseases. Identifiers: MedGen C0950123, MeSH D030342.

gnomAD v4.1: 1 of 1,614,182 alleles (0.000062%); highest among the groups gnomAD compares: Non-Finnish European, 0.000085%; no homozygotes.

Submission:

Ambry Genetics
Classification: Uncertain significance for Inborn genetic diseases. Last evaluated: 2021-04-30. Review status: criteria provided, single submitter. Criteria: Ambry Variant Classification Scheme 2023. Collection method: clinical testing. Allele origin: germline.
Comment: The p.R502P variant (also known as c.1505G>C), located in coding exon 12 of the NTRK1 gene, results from a G to C substitution at nucleotide position 1505. The arginine at codon 502 is replaced by proline, an amino acid with dissimilar properties. This amino acid position is not well conserved in available vertebrate species. In addition, the in silico prediction for this alteration is inconclusive. Since supporting evidence is limited at this time, the clinical significance of this alteration remains unclear.

NM_002529.4(NTRK1):c.1523G>C (p.Arg508Pro)

Gene: NTRK1 (neurotrophic receptor tyrosine kinase 1; plus strand). Cytogenetic location: 1q23.1.
Variant type: single nucleotide variant.
Coding change: c.1523G>C on transcript NM_002529.4 (MANE Select); coding-DNA position 1523, G replaced by C.
Protein change: p.Arg508Pro; replaces arginine 508 with proline.
Molecular consequence: missense variant.
Genome position (GRCh38, 1-based): chr1:156,876,101, G>C. VCF-style: chr1-156876101-G-C. GRCh37 (hg19) VCF-style: chr1-156845893-G-C.
Other names: c.1523G>C, p.Arg508Pro (NM_001007204.1); c.1415G>C, p.Arg472Pro (NM_001007792.1); c.1505G>C, p.Arg502Pro (NM_001012331.2); short protein forms R502P, R472P, R508P.
Identifiers: ClinVar variation 1774078 (VCV001774078.2), dbSNP rs374799164, ClinGen allele CA342937842.
Genomic context (GRCh38, chr1:156,876,101, plus strand): 5'-AAGACTGGGGCTACCGTCTGACCCTGCAAGCCCCCTCAGGTGTTCACCACATCAAGCGCC[G>C]GGACATCGTGCTCAAGTGGGAGCTGGGGGAGGGCGCCTTTGGGAAGGTCTTCCTTGCTGA-3'
Protein context (NP_002520.2, residues 498-518): SDACVHHIKR[Arg508Pro]DIVLKWELGE